The following is an entry in ClinVar:

ClinVar aggregate classification (germline): Uncertain significance. Review status: criteria provided, multiple submitters, no conflicts (2 of 4 stars). 2 submissions from 2 submitters: Uncertain significance (2). Last evaluated 2025-09-27.

Conditions:
Brugada syndrome. Also called: Sudden unexpected nocturnal death syndrome; Sudden Unexplained Death Syndrome; Sudden Unexplained Nocturnal Death Syndrome (SUNDS); Sudden unexplained nocturnal death syndrome. Identifiers: Orphanet 130, MedGen C1142166, MONDO:0015263.

Submissions (2):

Ambry Genetics
Classification: Uncertain significance. Last evaluated: 2025-09-27. Review status: criteria provided, single submitter. Criteria: Ambry Variant Classification Scheme 2023. Collection method: clinical testing. Allele origin: germline.

Labcorp Genetics (formerly Invitae), Labcorp
Classification: Uncertain significance for Brugada syndrome. Last evaluated: 2023-12-03. Review status: criteria provided, single submitter. Criteria: Invitae Variant Classification Sherloc (09022015). Collection method: clinical testing. Allele origin: germline.
Comment: This sequence change replaces leucine, which is neutral and non-polar, with proline, which is neutral and non-polar, at codon 561 of the SLMAP protein (p.Leu561Pro). This variant is not present in population databases (gnomAD no frequency). This variant has not been reported in the literature in individuals affected with SLMAP-related conditions. An algorithm developed to predict the effect of missense changes on protein structure and function (PolyPhen-2) suggests that this variant is likely to be disruptive. In summary, the available evidence is currently insufficient to determine the role of this variant in disease. Therefore, it has been classified as a Variant of Uncertain Significance.

NM_001377540.1(SLMAP):c.1784T>C (p.Leu595Pro)

Gene: SLMAP (sarcolemma associated protein; plus strand). Cytogenetic location: 3p14.3.
Variant type: single nucleotide variant.
Coding change: c.1784T>C on transcript NM_001377540.1 (MANE Select); coding-DNA position 1784, T replaced by C.
Protein change: p.Leu595Pro; replaces leucine 595 with proline.
Molecular consequence: missense variant. On other transcripts: non-coding transcript variant (1).
Genome position (GRCh38, 1-based): chr3:57,912,465, T>C. VCF-style: chr3-57912465-T-C. GRCh37 (hg19) VCF-style: chr3-57898192-T-C.
Other names: c.1721T>C, p.Leu574Pro (NM_001377545.1); c.1682T>C, p.Leu561Pro (NM_001377549.1, NM_007159.5); c.1670T>C, p.Leu557Pro (NM_001377551.1, NM_001377552.1); c.1661T>C, p.Leu554Pro (NM_001377555.1); c.1619T>C, p.Leu540Pro (NM_001377557.1, NM_001377559.1, NM_001304421.2); c.1610T>C, p.Leu537Pro (NM_001377562.1, NM_001377921.1); c.1598T>C, p.Leu533Pro (NM_001377922.1); c.1559T>C, p.Leu520Pro (NM_001377923.1); and 9 more; short protein forms L499P, L516P, L540P, L554P, L595P, L537P, L557P, L561P.
Identifiers: ClinVar variation 2721909 (VCV002721909.4), dbSNP rs2475840234, ClinGen allele CA353408305.